The following is an entry in ClinVar:

ClinVar aggregate classification (germline): Likely benign. Review status: criteria provided, multiple submitters, no conflicts (2 of 4 stars). 3 submissions from 3 submitters: Likely benign (3). Last evaluated 2024-12-17.

Allele frequency attached by ClinVar (database versions not stated): gnomAD 0.00001; ExAC 0.00002; gnomAD exomes 0.00003; TOPMed 0.00003; ESP Exome Variant Server 0.00015.
gnomAD v4.1: 54 of 1,614,060 alleles (0.0033%); highest among the groups gnomAD compares: Middle Eastern, 0.016%; 1 homozygote.

Submissions (3):

Labcorp Genetics (formerly Invitae), Labcorp
Classification: Likely benign. Last evaluated: 2024-12-17. Review status: criteria provided, single submitter. Criteria: Invitae Variant Classification Sherloc (09022015). Collection method: clinical testing. Allele origin: germline.

Blueprint Genetics
Classification: Likely benign. Last evaluated: 2024-11-13. Review status: criteria provided, single submitter. Criteria: ACMG Guidelines, 2015. Collection method: clinical testing. Allele origin: germline.

CeGaT Center for Human Genetics Tuebingen
Classification: Likely benign. Last evaluated: 2024-10-01. Review status: criteria provided, single submitter. Criteria: CeGaT Center For Human Genetics Tuebingen Variant Classification Criteria Version 2. Collection method: clinical testing. Allele origin: germline. Affected: yes. Observed: 2 variant alleles.
Comment: COL4A1: BP4, BP7

NM_001845.6(COL4A1):c.4875C>T (p.Tyr1625=)

Gene: COL4A1 (collagen type IV alpha 1 chain; minus strand). Cytogenetic location: 13q34.
Variant type: single nucleotide variant.
Coding change: c.4875C>T on transcript NM_001845.6 (MANE Select); coding-DNA position 4875, C replaced by T.
Protein change: p.Tyr1625=; no amino-acid change (tyrosine 1625 retained).
Molecular consequence: synonymous variant.
Genome position (GRCh38, 1-based): chr13:110,152,387, G>A on the plus strand (C>T on the coding strand, the complement: COL4A1 is on the minus strand). VCF-style: chr13-110152387-G-A. GRCh37 (hg19) VCF-style: chr13-110804734-G-A.
Identifiers: ClinVar variation 2714054 (VCV002714054.20), dbSNP rs148750080, ClinGen allele CA7046780.